The following continues an entry in ClinVar:

NM_000492.3(CFTR):c.1521_1523del (p.Phe508del)

ClinVar aggregate classification (germline): Pathogenic. Pathogenic (1).

Literature cited by the submitters, continued: PubMed 29431110 (cited by Quest Diagnostics Nichols Institute San Juan Capistrano); PubMed 29589582 (cited by Quest Diagnostics Nichols Institute San Juan Capistrano); PubMed 29805046 (cited by Quest Diagnostics Nichols Institute San Juan Capistrano); PubMed 30279124 (cited by Quest Diagnostics Nichols Institute San Juan Capistrano); PubMed 30487145 (cited by Quest Diagnostics Nichols Institute San Juan Capistrano); PubMed 30600599 (cited by Quest Diagnostics Nichols Institute San Juan Capistrano); PubMed 30602999 (cited by Quest Diagnostics Nichols Institute San Juan Capistrano and AiLife Diagnostics); PubMed 30609409 (cited by Quest Diagnostics Nichols Institute San Juan Capistrano and AiLife Diagnostics); PubMed 31019283 (cited by Quest Diagnostics Nichols Institute San Juan Capistrano); PubMed 31028937 (cited by Quest Diagnostics Nichols Institute San Juan Capistrano and AiLife Diagnostics); PubMed 31036917 (cited by Quest Diagnostics Nichols Institute San Juan Capistrano and AiLife Diagnostics); PubMed 31126253 (cited by Quest Diagnostics Nichols Institute San Juan Capistrano); PubMed 31130284 (cited by Quest Diagnostics Nichols Institute San Juan Capistrano); PubMed 31187952 (cited by Quest Diagnostics Nichols Institute San Juan Capistrano); PubMed 31199594 (cited by Quest Diagnostics Nichols Institute San Juan Capistrano); PubMed 31310009 (cited by Quest Diagnostics Nichols Institute San Juan Capistrano); PubMed 31447099 (cited by Quest Diagnostics Nichols Institute San Juan Capistrano); PubMed 31523618 (cited by Quest Diagnostics Nichols Institute San Juan Capistrano and Sema4); PubMed 31589614 (cited by Quest Diagnostics Nichols Institute San Juan Capistrano and AiLife Diagnostics); PubMed 31980526 (cited by Quest Diagnostics Nichols Institute San Juan Capistrano); PubMed 32429104 (cited by Quest Diagnostics Nichols Institute San Juan Capistrano); PubMed 32761997 (cited by Quest Diagnostics Nichols Institute San Juan Capistrano); PubMed 33083013 (cited by Quest Diagnostics Nichols Institute San Juan Capistrano and AiLife Diagnostics); PubMed 33118704 (cited by Quest Diagnostics Nichols Institute San Juan Capistrano); PubMed 33144682 (cited by Quest Diagnostics Nichols Institute San Juan Capistrano); PubMed 33270637 (cited by Quest Diagnostics Nichols Institute San Juan Capistrano and AiLife Diagnostics); PubMed 33365035 (cited by Quest Diagnostics Nichols Institute San Juan Capistrano); PubMed 33713579 (cited by Quest Diagnostics Nichols Institute San Juan Capistrano); PubMed 34426522 (cited by Quest Diagnostics Nichols Institute San Juan Capistrano); PubMed 7517267 (cited by Quest Diagnostics Nichols Institute San Juan Capistrano); PubMed 7533604 (cited by Quest Diagnostics Nichols Institute San Juan Capistrano); PubMed 7540133 (cited by Quest Diagnostics Nichols Institute San Juan Capistrano and AiLife Diagnostics); PubMed 8659542 (cited by Quest Diagnostics Nichols Institute San Juan Capistrano); PubMed 8740923 (cited by Quest Diagnostics Nichols Institute San Juan Capistrano); PubMed 8844211 (cited by Quest Diagnostics Nichols Institute San Juan Capistrano and AiLife Diagnostics); PubMed 8886242 (cited by Quest Diagnostics Nichols Institute San Juan Capistrano and AiLife Diagnostics); PubMed 9235853 (cited by Quest Diagnostics Nichols Institute San Juan Capistrano); PubMed 9272738 (cited by Quest Diagnostics Nichols Institute San Juan Capistrano); PubMed 9493456 (cited by Quest Diagnostics Nichols Institute San Juan Capistrano); PubMed 9618063 (cited by Quest Diagnostics Nichols Institute San Juan Capistrano and AiLife Diagnostics); PubMed 23857699 (cited by Quest Diagnostics Nichols Institute San Juan Capistrano); PubMed 26581802 (cited by Quest Diagnostics Nichols Institute San Juan Capistrano); PubMed 26627831 (cited by Quest Diagnostics Nichols Institute San Juan Capistrano); PubMed 26648081 (cited by Quest Diagnostics Nichols Institute San Juan Capistrano); PubMed 25148434 (cited by Quest Diagnostics Nichols Institute San Juan Capistrano); PubMed 2233932 (cited by Institute of Medical Genetics and Genomics, Sir Ganga Ram Hospital and UNC Molecular Genetics  Laboratory, University of North Carolina at Chapel Hill); PubMed 11280952 (cited by Laboratory for Molecular Medicine, Mass General Brigham Personalized Medicine); PubMed 9135274 (cited by Laboratory for Molecular Medicine, Mass General Brigham Personalized Medicine); PubMed 1381146 (cited by Laboratory for Molecular Medicine, Mass General Brigham Personalized Medicine); PubMed 30089726 (cited by Dasa); PubMed 29614238 (cited by Dasa); PubMed 29668297 (cited by Dasa); PubMed 29944384 (cited by Dasa); PubMed 27469177 (cited by Sema4); PubMed 20301295 (cited by Sema4); PubMed 24727426 (cited by Sema4); PubMed 10782933 (cited by Department of Genetics, Sultan Qaboos University Hospital); PubMed 24958810 (cited by Lifecell International Pvt. Ltd and OMIM); PubMed 24559724 (cited by Division of Human Genetics, Children's Hospital of Philadelphia); PubMed 2210767 (cited by OMIM); PubMed 2220803 (cited by OMIM); PubMed 15367919 (cited by OMIM); PubMed 1756602 (cited by OMIM); PubMed 1536179 (cited by OMIM); PubMed 2236053 (cited by OMIM); PubMed 2300168 (cited by OMIM); PubMed 9439669 (cited by OMIM); PubMed 7537148 (cited by OMIM); PubMed 7509564 (cited by OMIM); PubMed 1380673 (cited by OMIM); PubMed 18507830 (cited by OMIM); PubMed 20595578 (cited by OMIM); PubMed 20705837 (cited by OMIM); PubMed 22981120 (cited by OMIM); NCBI Bookshelf NBK190101 (cited by GeneReviews).